The following is an entry in ClinVar:

ClinVar aggregate classification (germline): Likely pathogenic (1 of 4 stars; one submission).

Conditions:
Dilated cardiomyopathy 1G (CMD1G). Identifiers: Orphanet 154, MedGen C1858763, MONDO:0011400, OMIM 604145.
Autosomal recessive limb-girdle muscular dystrophy type 2J (LGMDR10). Also called: Limb-girdle muscular dystrophy, type 2J; MUSCULAR DYSTROPHY, LIMB-GIRDLE, AUTOSOMAL RECESSIVE 10. Identifiers: Orphanet 140922, MedGen C1837342, MONDO:0012127, OMIM 608807.

Submission:

Labcorp Genetics (formerly Invitae), Labcorp
Classification: Likely pathogenic for Dilated cardiomyopathy 1G; Autosomal recessive limb-girdle muscular dystrophy type 2J. Last evaluated: 2023-09-10. Review status: criteria provided, single submitter. Criteria: Invitae Variant Classification Sherloc (09022015). Collection method: clinical testing. Allele origin: germline.
Comment: This sequence change creates a premature translational stop signal (p.Phe16108Leufs*5) in the TTN gene. While this is not anticipated to result in nonsense mediated decay, it is expected to create a truncated TTN protein. This variant is not present in population databases (gnomAD no frequency). This variant has not been reported in the literature in individuals affected with TTN-related conditions. This variant is located in the A band of TTN (PMID: 25589632). Truncating variants in this region are significantly overrepresented in patients affected with dilated cardiomyopathy (PMID: 25589632). Truncating variants in this region have also been reported in individuals affected with autosomal recessive centronuclear myopathy (PMID: 23975875). In summary, the currently available evidence indicates that the variant is pathogenic, but additional data are needed to prove that conclusively. Therefore, this variant has been classified as Likely Pathogenic.

Literature cited by the submitters: PubMed 25589632; PubMed 23975875.

NM_001267550.2(TTN):c.48320_48323dup (p.Phe16108fs)

Genes: TTN (titin; minus strand), TTN-AS1 (TTN antisense RNA 1; plus strand). Cytogenetic location: 2q31.2.
Variant type: Duplication.
Coding change: c.48320_48323dup on transcript NM_001267550.2 (MANE Select); coding-DNA positions 48320 to 48323, 4 bases duplicated (ACTT; older notation c.48320_48323dupACTT).
Protein change: p.Phe16108fs; shifts the reading frame from phenylalanine 16108.
Molecular consequence: frameshift variant.
Genome position (GRCh38, 1-based): chr2:178,615,778-178,615,781, AAGT duplicated on the plus strand (ACTT on the coding strand, the reverse complement: TTN is on the minus strand). VCF-style (leftmost placement, unchanged base first): chr2-178615777-A-AAAGT. GRCh37 (hg19) VCF-style: chr2-179480504-A-AAAGT.
Other names: c.43397_43400dup, p.Phe14467fs (NM_001256850.1); c.21125_21128dup, p.Phe7043fs (NM_003319.4); c.40616_40619dup, p.Phe13540fs (NM_133378.4); c.21500_21503dup, p.Phe7168fs (NM_133432.3); c.21701_21704dup, p.Phe7235fs (NM_133437.4); short protein forms F7043fs, F16108fs, F13540fs, F7168fs, F7235fs, F14467fs.
Identifiers: ClinVar variation 2939859 (VCV002939859.3), dbSNP rs2470764371, ClinGen allele CA2740096149.